The following is an entry in ClinVar:

NM_015202.5(KATNIP):c.941-3C>T

Gene: KATNIP (katanin interacting protein; plus strand). Cytogenetic location: 16p12.1.
Variant type: single nucleotide variant.
Coding change: c.941-3C>T on transcript NM_015202.5 (MANE Select); 3 bases into the intron before coding-DNA position 941, C replaced by T.
Molecular consequence: intron variant.
Genome position (GRCh38, 1-based): chr16:27,698,325, C>T. VCF-style: chr16-27698325-C-T. GRCh37 (hg19) VCF-style: chr16-27709646-C-T.
Identifiers: ClinVar variation 1913350 (VCV001913350.5), dbSNP rs2544826166, ClinGen allele CA2580091322.

ClinVar aggregate classification (germline): Uncertain significance (1 of 4 stars; one submission).

Allele frequency attached by ClinVar (database versions not stated): gnomAD exomes below 0.00001.

Submission:

Labcorp Genetics (formerly Invitae), Labcorp
Classification: Uncertain significance. Last evaluated: 2022-02-11. Review status: criteria provided, single submitter. Criteria: Invitae Variant Classification Sherloc (09022015). Collection method: clinical testing. Allele origin: germline.
Comment: This variant has not been reported in the literature in individuals affected with KIAA0556-related conditions. In summary, the available evidence is currently insufficient to determine the role of this variant in disease. Therefore, it has been classified as a Variant of Uncertain Significance. Variants that disrupt the consensus splice site are a relatively common cause of aberrant splicing (PMID: 17576681, 9536098). Algorithms developed to predict the effect of sequence changes on RNA splicing suggest that this variant is not likely to affect RNA splicing. This variant is not present in population databases (gnomAD no frequency). This sequence change falls in intron 8 of the KIAA0556 gene. It does not directly change the encoded amino acid sequence of the KIAA0556 protein. It affects a nucleotide within the consensus splice site.

Literature cited by the submitters: PubMed 17576681; PubMed 9536098.